The following is an entry in ClinVar:

NM_016360.4(TACO1):c.856C>T (p.His286Tyr)

Gene: TACO1 (translational activator of cytochrome c oxidase I; plus strand). Cytogenetic location: 17q23.3.
Variant type: single nucleotide variant.
Coding change: c.856C>T on transcript NM_016360.4 (MANE Select); coding-DNA position 856, C replaced by T.
Protein change: p.His286Tyr; replaces histidine 286 with tyrosine.
Molecular consequence: missense variant.
Genome position (GRCh38, 1-based): chr17:63,607,964, C>T. VCF-style: chr17-63607964-C-T. GRCh37 (hg19) VCF-style: chr17-61685324-C-T.
Other names: short protein forms H286Y.
Identifiers: ClinVar variation 1350091 (VCV001350091.8), dbSNP rs761960877, ClinGen allele CA400554625.
Genomic context (GRCh38, chr17:63,607,964, plus strand): 5'-GTGCAGCTGGCTGAGCCCGACCTGGAACAGGCCGCACATCTCATTCAGGCTCTCAGCAAC[C>T]ACGAGGATGTGATTCACGTCTATGATAACATTGAATAACCAGGCTACATGTGCCCCCGGG-3'
Protein context (NP_057444.2, residues 276-296): AAHLIQALSN[His286Tyr]EDVIHVYDNI

ClinVar aggregate classification (germline): Uncertain significance (1 of 4 stars; one submission).

Submission:

Labcorp Genetics (formerly Invitae), Labcorp
Classification: Uncertain significance. Last evaluated: 2021-12-03. Review status: criteria provided, single submitter. Criteria: Invitae Variant Classification Sherloc (09022015). Collection method: clinical testing. Allele origin: germline.
Comment: This sequence change replaces histidine, which is basic and polar, with tyrosine, which is neutral and polar, at codon 286 of the TACO1 protein (p.His286Tyr). This variant is not present in population databases (gnomAD no frequency). This variant has not been reported in the literature in individuals affected with TACO1-related conditions. Algorithms developed to predict the effect of missense changes on protein structure and function output the following: SIFT: "Tolerated"; PolyPhen-2: "Benign"; Align-GVGD: "Class C0". The tyrosine amino acid residue is found in multiple mammalian species, which suggests that this missense change does not adversely affect protein function. In summary, the available evidence is currently insufficient to determine the role of this variant in disease. Therefore, it has been classified as a Variant of Uncertain Significance.